The following is an entry in ClinVar:

NM_000051.4(ATM):c.5814_5817del (p.Asn1937_Tyr1938insTer)

Genes: ATM (ATM serine/threonine kinase; plus strand), C11orf65 (chromosome 11 open reading frame 65; minus strand). Cytogenetic location: 11q22.3.
Variant type: Deletion.
Coding change: c.5814_5817del on transcript NM_000051.4 (MANE Select); coding-DNA positions 5814 to 5817, 4 bases deleted (TCTA; older notation c.5814_5817delTCTA).
Protein change: p.Asn1937_Tyr1938insTer.
Molecular consequence: nonsense. On other transcripts: intron variant (2).
Genome position (GRCh38, 1-based): chr11:108,310,211-108,310,214, TCTA deleted; deleting any 4 consecutive bases within chr11:108,310,209-108,310,214 gives the same sequence; the c. name uses the placement nearest the transcript's 3' end. VCF-style (leftmost placement, unchanged base first): chr11-108310208-TTATC-T. GRCh37 (hg19) VCF-style: chr11-108180935-TTATC-T.
Other names: c.5814_5817delTCTA (NM_000051.4); c.5814_5817del, p.Asn1937_Tyr1938insTer (NM_001351834.2); c.641-1141_641-1138del (NM_001330368.2); c.*39-1141_*39-1138del (NM_001351110.2).
Identifiers: ClinVar variation 3629780 (VCV003629780.1).

ClinVar aggregate classification (germline): Pathogenic (1 of 4 stars; one submission).

Conditions:
Malignant tumor of breast. Also called: Malignant breast neoplasm; Cancer breast. Identifiers: MedGen C0006142, MONDO:0007254. Disease mechanism: loss of function.

Submission:

Women's Health and Genetics/Laboratory Corporation of America, LabCorp
Classification: Pathogenic for Malignant tumor of breast. Last evaluated: 2024-11-06. Review status: criteria provided, single submitter. Criteria: LabCorp Variant Classification Summary - May 2015. Collection method: clinical testing. Allele origin: germline.
Comment: Variant summary: ATM c.5814_5817delTCTA (p.Tyr1938X) results in a premature termination codon, predicted to cause absence of the protein due to nonsense mediated decay, which is a commonly known mechanism for disease. The variant was absent in 251078 control chromosomes (gnomAD). To our knowledge, no occurrence of c.5814_5817delTCTA in individuals affected with Breast Cancer and no experimental evidence demonstrating its impact on protein function have been reported. No submitters have cited clinical-significance assessments for this variant to ClinVar. Based on the evidence outlined above, the variant was classified as pathogenic.